The following is an entry in ClinVar:

NM_002734.5(PRKAR1A):c.287_290dup (p.Gly98fs)

Gene: PRKAR1A (protein kinase cAMP-dependent type I regulatory subunit alpha; plus strand). Cytogenetic location: 17q24.2.
Variant type: Duplication.
Coding change: c.287_290dup on transcript NM_002734.5 (MANE Select); coding-DNA positions 287 to 290, 4 bases duplicated (GACG; older notation c.287_290dupGACG).
Protein change: p.Gly98fs; shifts the reading frame from glycine 98.
Molecular consequence: frameshift variant.
Genome position (GRCh38, 1-based): chr17:68,522,865-68,522,868, GACG duplicated. VCF-style (leftmost placement, unchanged base first): chr17-68522864-C-CGACG. GRCh37 (hg19) VCF-style: chr17-66519005-C-CGACG.
Other names: c.287_290dup, p.Gly98fs (NM_001276289.2, NM_001276290.1, NM_001278433.2 and 4 more transcripts); short protein forms G98fs.
Identifiers: ClinVar variation 3222765 (VCV003222765.1), dbSNP rs2509399227, ClinGen allele CA2825002596.

ClinVar aggregate classification (germline): Pathogenic (1 of 4 stars; one submission).

Conditions:
Hereditary cancer-predisposing syndrome. Also called: Tumor predisposition; Hereditary neoplastic syndrome; Hereditary Cancer Syndrome; Neoplastic Syndromes, Hereditary. Identifiers: Orphanet 140162, MedGen C0027672, MeSH D009386, MONDO:0015356.

Submission:

Ambry Genetics
Classification: Pathogenic for Hereditary cancer-predisposing syndrome. Last evaluated: 2024-03-06. Review status: criteria provided, single submitter. Criteria: Ambry Variant Classification Scheme 2023. Collection method: clinical testing. Allele origin: germline.
Comment: The c.287_290dupGACG pathogenic mutation, located in coding exon 2 of the PRKAR1A gene, results from a duplication of GACG at nucleotide position 287, causing a translational frameshift with a predicted alternate stop codon (p.G98Tfs*7). This alteration is expected to result in loss of function by premature protein truncation or nonsense-mediated mRNA decay. Loss-of-function variants subject to nonsense mediated decay (NMD) in PRKAR1A are known to cause Carney complex; however, such associations with acrodysostosis have not been reported (Michot. et al. Eur J Hum Genet 26, 1611&ndash;1622 (2018); Bertherat J et al. J Clin Endocrinol Metab. 2009 Jun;94(6):2085-91; Jafari N et al. Proc Natl Acad Sci U S A. 2021 May 25;118(21):e2024716118). Based on the supporting evidence, this alteration is pathogenic for Carney complex; however, the association of this alteration with acrodysostosis is unlikely.